The following is an entry in ClinVar:

NM_001374736.1(DST):c.18723AGA[1] (p.Glu6242del)

Gene: DST (dystonin; minus strand). Cytogenetic location: 6p12.1.
Variant type: Microsatellite.
Coding change: c.18723AGA[1] on transcript NM_001374736.1 (MANE Select); one copy of the 3-base unit AGA starting at c.18723; the reference has two copies in a row; one copy, 3 bases deleted.
Protein change: p.Glu6242del; deletes glutamic acid 6242.
Molecular consequence: inframe deletion.
Genome position (GRCh38, 1-based): chr6:56,511,249-56,511,251, TCT deleted on the plus strand (AGA on the coding strand, the reverse complement: DST is on the minus strand); deleting any 3 consecutive bases within chr6:56,511,249-56,511,255 gives the same sequence; the position shown is the placement nearest the transcript's 3' end. VCF-style (leftmost placement, unchanged base first): chr6-56511248-ATCT-A. GRCh37 (hg19) VCF-style: chr6-56376046-ATCT-A.
Other names: c.12366AGA[1], p.Glu4123del (NM_001144769.5); c.11952AGA[1], p.Glu3985del (NM_001144770.2); c.18723AGA[1], p.Glu6242del (NM_001374722.1); c.17763AGA[1], p.Glu5922del (NM_001374729.1); c.11505AGA[1], p.Glu3836del (NM_001374730.1); c.18750AGA[1], p.Glu6251del (NM_001374734.1); c.11832AGA[1], p.Glu3945del (NM_001386100.1, NM_183380.4); c.10854AGA[1], p.Glu3619del (NM_015548.5); short protein forms E5922del, E6251del, E3619del, E6242del, E3985del, E4123del, E3836del, E3945del.
Identifiers: ClinVar variation 2934546 (VCV002934546.3), dbSNP rs2534368992, ClinGen allele CA2740091369.
Genomic context (GRCh38, chr6:56,511,248, plus strand): 5'-AACAATTACCTGAGTTGATTGAGAAATGGCTTCATCCAGTGCCACAGCACGCTTTTTGAC[ATCT>A]TCTTTAATTTGACTGTAAAGGGTGTCGGCTGCCACATACTTCTCTTGGATAGAAAAGCCT-3'

ClinVar aggregate classification (germline): Uncertain significance (1 of 4 stars; one submission).

Conditions:
Hereditary sensory and autonomic neuropathy type 6. Also called: HSAN VI; Neuropathy, hereditary sensory and autonomic, type VI. Identifiers: Orphanet 314381, MedGen C3539003, MONDO:0013839, OMIM 614653.
Epidermolysis bullosa simplex 3, localized or generalized intermediate, with BP230 deficiency (EBS3). Also called: Epidermolysis bullosa simplex, autosomal recessive 2; Epidermolysis bullosa simplex due to BP230 deficiency. Identifiers: Orphanet 412181, MedGen C3809470, MONDO:0014180, OMIM 615425.

Submission:

Labcorp Genetics (formerly Invitae), Labcorp
Classification: Uncertain significance for Epidermolysis bullosa simplex 3, localized or generalized intermediate, with BP230 deficiency; Hereditary sensory and autonomic neuropathy type 6. Last evaluated: 2024-02-05. Review status: criteria provided, single submitter. Criteria: Invitae Variant Classification Sherloc (09022015). Collection method: clinical testing. Allele origin: germline.
Comment: The DST gene has multiple clinically relevant transcripts. This variant occurs in alternate transcript NM_015548.4, and corresponds to NM_001723.5:c.*104266_*104268del in the primary transcript. This variant, c.10857_10859del, results in the deletion of 1 amino acid(s) of the DST protein (p.Glu3619del), but otherwise preserves the integrity of the reading frame. This variant is not present in population databases (gnomAD no frequency). This variant has not been reported in the literature in individuals affected with DST-related conditions. Experimental studies and prediction algorithms are not available or were not evaluated, and the functional significance of this variant is currently unknown. In summary, the available evidence is currently insufficient to determine the role of this variant in disease. Therefore, it has been classified as a Variant of Uncertain Significance.